The following is an entry in ClinVar:

ClinVar aggregate classification (germline): Likely benign. Review status: criteria provided, single submitter (1 of 4 stars). 2 submissions from 2 submitters: Likely benign (1). 1 of the submissions does not count toward it. Last evaluated 2025-12-24.

Conditions:
FLNB-related disorder. Also called: FLNB-related condition; FLNB-related disorders. Identifiers: MedGen CN381095.

Allele frequency attached by ClinVar (database versions not stated): gnomAD exomes below 0.00001; gnomAD 0.00001; TOPMed 0.00002.
gnomAD v4.1: 6 of 1,608,470 alleles (0.00037%); highest among the groups gnomAD compares: Non-Finnish European, 0.00051%; no homozygotes.

Submissions (2):

Labcorp Genetics (formerly Invitae), Labcorp
Classification: Likely benign. Last evaluated: 2025-12-24. Review status: criteria provided, single submitter. Criteria: Invitae Variant Classification Sherloc (09022015). Collection method: clinical testing. Allele origin: germline.

PreventionGenetics, part of Exact Sciences
Classification: Likely benign for FLNB-related condition. Last evaluated: 2023-06-07. Review status: no assertion criteria provided. Collection method: clinical testing. Allele origin: germline. Not counted in ClinVar's aggregate classification.
Comment: This variant is classified as likely benign based on ACMG/AMP sequence variant interpretation guidelines (Richards et al. 2015 PMID: 25741868, with internal and published modifications).

NM_001457.4(FLNB):c.3585G>C (p.Val1195=)

Gene: FLNB (filamin B; plus strand). Cytogenetic location: 3p14.3.
Variant type: single nucleotide variant.
Coding change: c.3585G>C on transcript NM_001457.4 (MANE Select); coding-DNA position 3585, G replaced by C.
Protein change: p.Val1195=; no amino-acid change (valine 1195 retained).
Molecular consequence: synonymous variant.
Genome position (GRCh38, 1-based): chr3:58,123,551, G>C. VCF-style: chr3-58123551-G-C. GRCh37 (hg19) VCF-style: chr3-58109278-G-C.
Other names: c.3585G>C, p.Val1195= (NM_001164317.2, NM_001164318.2, NM_001164319.2).
Identifiers: ClinVar variation 792853 (VCV000792853.6), dbSNP rs1014849932, ClinGen allele CA75447624.